The following is an entry in ClinVar:

ClinVar aggregate classification (germline): Uncertain significance. Review status: criteria provided, multiple submitters, no conflicts (2 of 4 stars). 2 submissions from 2 submitters: Uncertain significance (2). Last evaluated 2026-03-11.

Conditions:
Cardiovascular phenotype. Identifiers: MedGen CN230736.
Costello syndrome (CSTLO). Also called: FACIOCUTANEOSKELETAL SYNDROME; HRAS-Related Costello Syndrome; FCS SYNDROME. Identifiers: Orphanet 3071, MedGen C0587248, MONDO:0009026, OMIM 218040.

Allele frequency attached by ClinVar (database versions not stated): gnomAD exomes below 0.00001.
gnomAD v4.1: 4 of 1,612,638 alleles (0.00025%); highest among the groups gnomAD compares: Non-Finnish European, 0.00034%; no homozygotes.

Submissions (2):

Ambry Genetics
Classification: Uncertain significance for Cardiovascular phenotype. Last evaluated: 2026-03-11. Review status: criteria provided, single submitter. Criteria: Ambry Variant Classification Scheme 2023. Collection method: clinical testing. Allele origin: germline.
Comment: The p.G151A variant (also known as c.452G>C), located in coding exon 4 of the HRAS gene, results from a G to C substitution at nucleotide position 452. The glycine at codon 151 is replaced by alanine, an amino acid with similar properties. This amino acid position is well conserved in available vertebrate species. In addition, the in silico prediction for this alteration is inconclusive. Based on the available evidence, the clinical significance of this variant remains unclear.

Labcorp Genetics (formerly Invitae), Labcorp
Classification: Uncertain significance for Costello syndrome. Last evaluated: 2023-12-23. Review status: criteria provided, single submitter. Criteria: Invitae Variant Classification Sherloc (09022015). Collection method: clinical testing. Allele origin: germline.
Comment: This sequence change replaces glycine, which is neutral and non-polar, with alanine, which is neutral and non-polar, at codon 151 of the HRAS protein (p.Gly151Ala). This variant is present in population databases (no rsID available, gnomAD 0.0009%). This variant has not been reported in the literature in individuals affected with HRAS-related conditions. ClinVar contains an entry for this variant (Variation ID: 462154). An algorithm developed to predict the effect of missense changes on protein structure and function (PolyPhen-2) suggests that this variant is likely to be disruptive. Algorithms developed to predict the effect of sequence changes on RNA splicing suggest that this variant may create or strengthen a splice site. In summary, the available evidence is currently insufficient to determine the role of this variant in disease. Therefore, it has been classified as a Variant of Uncertain Significance.

NM_005343.4(HRAS):c.452G>C (p.Gly151Ala)

Genes: HRAS (HRas proto-oncogene, GTPase; minus strand), LRRC56 (leucine rich repeat containing 56; plus strand). Cytogenetic location: 11p15.5.
Variant type: single nucleotide variant.
Coding change: c.452G>C on transcript NM_005343.4 (MANE Select); coding-DNA position 452, G replaced by C.
Protein change: p.Gly151Ala; replaces glycine 151 with alanine.
Molecular consequence: missense variant. On other transcripts: 3 prime UTR variant (1).
Genome position (GRCh38, 1-based): chr11:532,754, C>G on the plus strand (G>C on the coding strand, the complement: HRAS is on the minus strand). VCF-style: chr11-532754-C-G. GRCh37 (hg19) VCF-style: chr11-532754-C-G.
Other names: c.452G>C, p.Gly151Ala (NM_001130442.3); c.215G>C, p.Gly72Ala (NM_001318054.2); c.*21G>C (NM_176795.5); short protein forms G151A, G72A.
Identifiers: ClinVar variation 462154 (VCV000462154.8), dbSNP rs1362209698, ClinGen allele CA378921260.